The following is an entry in ClinVar:

NM_001385641.1(SAMD11):c.1015G>T (p.Asp339Tyr)

Gene: SAMD11 (sterile alpha motif domain containing 11; plus strand). Cytogenetic location: 1p36.33.
Variant type: single nucleotide variant.
Coding change: c.1015G>T on transcript NM_001385641.1 (MANE Select); coding-DNA position 1015, G replaced by T.
Protein change: p.Asp339Tyr; replaces aspartic acid 339 with tyrosine.
Molecular consequence: missense variant.
Genome position (GRCh38, 1-based): chr1:939,087, G>T. VCF-style: chr1-939087-G-T. GRCh37 (hg19) VCF-style: chr1-874467-G-T.
Other names: c.1015G>T, p.Asp339Tyr (NM_001385640.1); c.478G>T, p.Asp160Tyr (NM_152486.4); short protein forms D160Y, D339Y.
Identifiers: ClinVar variation 1900678 (VCV001900678.5), dbSNP rs754562511, ClinGen allele CA337799833.
Genomic context (GRCh38, chr1:939,087, plus strand): 5'-TACCCTCCCGCAGGTGACCTGTTGGGCAAGAGGCTGGGCCGCTCCCCCCGTATCAGCAGC[G>T]ACTGCTTTTCAGAGAAGAGGGCACGAAGCGAATCGCCTCAAGGTAAGAGCGTGGCTGGGA-3'
Protein context (NP_001372570.1, residues 329-349): RLGRSPRISS[Asp339Tyr]CFSEKRARSE

ClinVar aggregate classification (germline): Uncertain significance (1 of 4 stars; one submission).

Submission:

Labcorp Genetics (formerly Invitae), Labcorp
Classification: Uncertain significance. Last evaluated: 2024-10-28. Review status: criteria provided, single submitter. Criteria: Invitae Variant Classification Sherloc (09022015). Collection method: clinical testing. Allele origin: germline.
Comment: This sequence change replaces aspartic acid, which is acidic and polar, with tyrosine, which is neutral and polar, at codon 160 of the SAMD11 protein (p.Asp160Tyr). This variant is present in population databases (no rsID available, gnomAD 0.01%). This variant has not been reported in the literature in individuals affected with SAMD11-related conditions. ClinVar contains an entry for this variant (Variation ID: 1900678). An algorithm developed to predict the effect of missense changes on protein structure and function (PolyPhen-2) suggests that this variant is likely to be disruptive. In summary, the available evidence is currently insufficient to determine the role of this variant in disease. Therefore, it has been classified as a Variant of Uncertain Significance.